The following is an entry in ClinVar:

NM_001351169.2(NT5C2):c.389+349G>A

Gene: NT5C2 (5'-nucleotidase, cytosolic II; minus strand). Cytogenetic location: 10q24.33.
Variant type: single nucleotide variant.
Coding change: c.389+349G>A on transcript NM_001351169.2 (MANE Select); 349 bases into the intron after coding-DNA position 389, G replaced by A.
Molecular consequence: intron variant. On other transcripts: splice donor variant (9).
Genome position (GRCh38, 1-based): chr10:103,105,357, C>T on the plus strand (G>A on the coding strand, the complement: NT5C2 is on the minus strand). VCF-style: chr10-103105357-C-T. GRCh37 (hg19) VCF-style: chr10-104865114-C-T.
Other names: c.413+1G>A (NM_001351170.1, NM_001351170.2, NM_001351171.2 and 2 more transcripts); c.302+349G>A (NM_001351174.1); c.-93+349G>A (NM_001351191.1, NM_001351181.2); c.-185+349G>A (NM_001351192.1, NM_001351183.2, NM_001351176.2 and 2 more transcripts); c.-185+1G>A (NM_001351193.1, NM_001351178.2); c.-367+349G>A (NM_001351194.2, NM_001351195.2); c.-377+349G>A (NM_001351180.2, NM_001351188.2, NM_001351184.2 and 3 more transcripts); c.389+349G>A (NM_001134373.3, NM_012229.5); and 6 more.
Identifiers: ClinVar variation 2501199 (VCV002501199.2), dbSNP rs185440736, ClinGen allele CA5671112.

ClinVar aggregate classification (germline): Uncertain significance. Review status: criteria provided, multiple submitters, no conflicts (2 of 4 stars). 2 submissions from 2 submitters: Uncertain significance (2). Last evaluated 2026-06-08.

Conditions:
NT5C2-related disorder. Also called: NT5C2-related condition.

Allele frequency attached by ClinVar (database versions not stated): gnomAD exomes 0.00003; ExAC 0.00019; ESP Exome Variant Server 0.00037; 1000 Genomes Project 30x 0.00047; 1000 Genomes Project 0.00060.
gnomAD v4.1: 117 of 917,136 alleles (0.013%); highest among the groups gnomAD compares: African/African-American, 0.19%; 1 homozygote.

Submissions (2):

PreventionGenetics, part of Exact Sciences
Classification: Uncertain significance for NT5C2-related condition. Last evaluated: 2026-06-08. Review status: criteria provided, single submitter. Criteria: ACMG Guidelines, 2015. Collection method: clinical testing. Allele origin: germline.
Comment: The NT5C2 c.413+1G>A variant is predicted to disrupt the GT donor site and interfere with normal splicing. To our knowledge, this variant has not been reported in the literature. In different transcripts (NM_001351169 and NM_0122290), this variant is designed c.389+349G>A and is deep intronic. Variants predicted to impact splicing in NT5C2 are reported in these two transcripts (see, for example, CinVar; Novarino et al. 2014. PubMed ID: 24482476). This variant is reported in 0.16% of alleles in individuals of African descent in gnomAD. Taken together, we interpret the clinical significance of this variant as uncertain due to the absence of conclusive functional and genetic evidence.

Women's Health and Genetics/Laboratory Corporation of America, LabCorp
Classification: Uncertain significance. Last evaluated: 2023-03-13. Review status: criteria provided, single submitter. Criteria: LabCorp Variant Classification Summary - May 2015. Collection method: clinical testing. Allele origin: germline.
Comment: Variant summary: NT5C2 c.389+349G>A affects a non-conserved nucleotide, located at a position not widely known to affect splicing (NM_012229.4). Computational tools predict that this variant abolishes a cryptic 5' donor site. However, this variant is located to a canonical splice-site in a different transcript (NM_001351173; c.413+1G>A), where it abolishes the 5' donor site of exon 6; a small, symmetric exon, which is not expressed in any tissues (GTEx v7 dataset). The variant allele was found at a frequency of 0.00064 in 150700 control chromosomes, predominantly at a frequency of 0.0022 within the African or African-American subpopulation in the gnomAD database (v3.1 genomes dataset), including 1 homozygote. To our knowledge, no occurrence of c.389+349G>A in individuals affected with Hereditary Spastic Paraplegia 45 and no experimental evidence demonstrating its impact on protein function have been reported. No clinical diagnostic laboratories have submitted clinical-significance assessments for this variant to ClinVar after 2014. Based on the evidence outlined above, the variant was classified as VUS-possibly benign.